The following is an entry in ClinVar:

ClinVar aggregate classification (germline): Uncertain significance (1 of 4 stars; one submission).

Conditions:
Hereditary cancer-predisposing syndrome. Also called: Hereditary Cancer Syndrome; Hereditary neoplastic syndrome; Neoplastic Syndromes, Hereditary; Tumor predisposition. Identifiers: Orphanet 140162, MedGen C0027672, MeSH D009386, MONDO:0015356.

Submission:

Ambry Genetics
Classification: Uncertain significance for Hereditary cancer-predisposing syndrome. Last evaluated: 2025-07-29. Review status: criteria provided, single submitter. Criteria: Ambry Variant Classification Scheme 2023. Collection method: clinical testing. Allele origin: germline.
Comment: The p.L32P variant (also known as c.95T>C), located in coding exon 1 of the CTNNA1 gene, results from a T to C substitution at nucleotide position 95. The leucine at codon 32 is replaced by proline, an amino acid with similar properties. This amino acid position is conserved. In addition, this alteration is predicted to be deleterious by in silico analysis. Based on the available evidence, the clinical significance of this variant remains unclear.

NM_001903.5(CTNNA1):c.95T>C (p.Leu32Pro)

Gene: CTNNA1 (catenin alpha 1; plus strand). Cytogenetic location: 5q31.2.
Variant type: single nucleotide variant.
Coding change: c.95T>C on transcript NM_001903.5 (MANE Select); coding-DNA position 95, T replaced by C.
Protein change: p.Leu32Pro; replaces leucine 32 with proline.
Molecular consequence: missense variant. On other transcripts: 5 prime UTR variant (2).
Genome position (GRCh38, 1-based): chr5:138,782,019, T>C. VCF-style: chr5-138782019-T-C. GRCh37 (hg19) VCF-style: chr5-138117708-T-C.
Other names: c.95T>C, p.Leu32Pro (NM_001290307.3, NM_001323982.2, NM_001323983.1 and 3 more transcripts); c.-19T>C (NM_001290309.3); c.-112T>C (NM_001290310.3); short protein forms L32P.
Identifiers: ClinVar variation 4235641 (VCV004235641.1).
Genomic context (GRCh38, chr5:138,782,019, plus strand): 5'-AGTGGGATCCTAAAAGTCTAGAGATCAGGACTCTGGCAGTTGAGAGACTGTTGGAGCCTC[T>C]TGTTACACAGGTAAGAATCTGAAAACACAAATACATTGTAACATGGTTCTATAGCACAGG-3'
Protein context (NP_001894.2, residues 22-42): TLAVERLLEP[Leu32Pro]VTQVTTLVNT